The following is an entry in ClinVar:

ClinVar aggregate classification (germline): Uncertain significance. Review status: criteria provided, multiple submitters, no conflicts (2 of 4 stars). 2 submissions from 2 submitters: Uncertain significance (2). Last evaluated 2024-11-05.

Submissions (2):

Blueprint Genetics
Classification: Uncertain significance. Last evaluated: 2024-11-05. Review status: criteria provided, single submitter. Criteria: ACMG Guidelines, 2015. Collection method: clinical testing. Allele origin: germline.

GeneDx
Classification: Uncertain significance. Last evaluated: 2024-10-09. Review status: criteria provided, single submitter. Criteria: GeneDx Variant Classification Process June 2021. Collection method: clinical testing. Allele origin: germline. Affected: yes.
Comment: Not observed at significant frequency in large population cohorts (gnomAD); In silico analysis indicates that this missense variant does not alter protein structure/function; Has not been previously published as pathogenic or benign to our knowledge

NM_001386393.1(PANK2):c.97T>G (p.Ser33Ala)

Genes: PANK2 (pantothenate kinase 2; plus strand), LOC130065345 (ATAC-STARR-seq lymphoblastoid silent region 12635; plus strand). Cytogenetic location: 20p13.
Variant type: single nucleotide variant.
Coding change: c.97T>G on transcript NM_001386393.1 (MANE Select); coding-DNA position 97, T replaced by G.
Protein change: p.Ser33Ala; replaces serine 33 with alanine.
Molecular consequence: missense variant. On other transcripts: 5 prime UTR variant (1), non-coding transcript variant (1), intron variant (1).
Genome position (GRCh38, 1-based): chr20:3,889,527, T>G. VCF-style: chr20-3889527-T-G. GRCh37 (hg19) VCF-style: chr20-3870174-T-G.
Other names: c.-615T>G (NM_001324191.2); c.427T>G, p.Ser143Ala (NM_001324192.1, NM_153638.4); c.-246+623T>G (NM_024960.6); short protein forms S143A, S33A.
Identifiers: ClinVar variation 3777456 (VCV003777456.2).